The following is an entry in ClinVar:

ClinVar aggregate classification (germline): Likely benign (0 of 4 stars; one submission).

Conditions:
PLXNA1-related disorder. Also called: PLXNA1-related condition.

Allele frequency attached by ClinVar (database versions not stated): gnomAD exomes below 0.00001; TOPMed 0.00001.
gnomAD v4.1: 2 of 1,576,110 alleles (0.00013%); highest among the groups gnomAD compares: Admixed American, 0.0034%; no homozygotes.

Submission:

PreventionGenetics, part of Exact Sciences
Classification: Likely benign for PLXNA1-related condition. Last evaluated: 2022-09-08. Review status: no assertion criteria provided. Collection method: clinical testing. Allele origin: germline.
Comment: This variant is classified as likely benign based on ACMG/AMP sequence variant interpretation guidelines (Richards et al. 2015 PMID: 25741868, with internal and published modifications).

NM_032242.4(PLXNA1):c.120C>T (p.Pro40=)

Gene: PLXNA1 (plexin A1; plus strand). Cytogenetic location: 3q21.3.
Variant type: single nucleotide variant.
Coding change: c.120C>T on transcript NM_032242.4 (MANE Select); coding-DNA position 120, C replaced by T.
Protein change: p.Pro40=; no amino-acid change (proline 40 retained).
Molecular consequence: synonymous variant.
Genome position (GRCh38, 1-based): chr3:126,988,713, C>T. VCF-style: chr3-126988713-C-T. GRCh37 (hg19) VCF-style: chr3-126707556-C-T.
Identifiers: ClinVar variation 3030557 (VCV003030557.2), dbSNP rs1291537634, ClinGen allele CA435759298.
Genomic context (GRCh38, chr3:126,988,713, plus strand): 5'-GCTGCCGGGCATGTGGGCTGAGGCAGGCTTGCCCAGGGCAGGCGGGGGTTCACAGCCCCC[C>T]TTCCGCACCTTCTCGGCCAGCGACTGGGGCCTCACCCACCTAGTGGTGCATGAGCAGACA-3'
Protein context (NP_115618.3, residues 30-50): LPRAGGGSQP[Pro40=]FRTFSASDWG